The following is an entry in ClinVar:

NM_005591.4(MRE11):c.20+1G>C

Gene: MRE11 (MRE11 double strand break repair nuclease; minus strand). Cytogenetic location: 11q21.
Variant type: single nucleotide variant.
Coding change: c.20+1G>C on transcript NM_005591.4 (MANE Select); the canonical splice donor site of the intron after coding-DNA position 20, G replaced by C.
Molecular consequence: splice donor variant. On other transcripts: 5 prime UTR variant (2), intron variant (3).
Genome position (GRCh38, 1-based): chr11:94,492,781, C>G on the plus strand (G>C on the coding strand, the complement: MRE11 is on the minus strand). VCF-style: chr11-94492781-C-G. GRCh37 (hg19) VCF-style: chr11-94225947-C-G.
Other names: c.-195G>C (NM_001440471.1, NM_001440479.1); c.-445+1010G>C (NM_001440487.1); c.-56+1010G>C (NM_001440472.1); c.20+1G>C (NM_001440469.1, NM_001440476.1, NM_001440465.1 and 21 more transcripts); c.-445+1G>C (NM_001440485.1); c.-445+903G>C (NM_001440486.1).
Identifiers: ClinVar variation 4739531 (VCV004739531.1).

ClinVar aggregate classification (germline): Likely pathogenic (1 of 4 stars; one submission).

Conditions:
Ataxia-telangiectasia-like disorder (ATLD). Identifiers: MedGen C1858391, MONDO:0011457.

Submission:

Labcorp Genetics (formerly Invitae), Labcorp
Classification: Likely pathogenic for Ataxia-telangiectasia-like disorder. Last evaluated: 2025-10-10. Review status: criteria provided, single submitter. Criteria: Invitae Variant Classification Sherloc (09022015). Collection method: clinical testing. Allele origin: germline.
Comment: This sequence change affects a donor splice site in intron 2 of the MRE11 gene. It is expected to disrupt RNA splicing. Variants that disrupt the donor or acceptor splice site typically lead to a loss of protein function (PMID: 16199547), and loss-of-function variants in MRE11 are known to be pathogenic (PMID: 23080121, 23912341). This variant is not present in population databases (gnomAD no frequency). This variant has not been reported in the literature in individuals affected with MRE11-related conditions. Algorithms developed to predict the effect of sequence changes on RNA splicing suggest that this variant may disrupt the consensus splice site. In summary, the currently available evidence indicates that the variant is pathogenic, but additional data are needed to prove that conclusively. Therefore, this variant has been classified as Likely Pathogenic.

Literature cited by the submitters: PubMed 16199547; PubMed 23080121; PubMed 23912341.